The following is an entry in ClinVar:

ClinVar aggregate classification (germline): Uncertain significance (1 of 4 stars; one submission).

gnomAD v4.1: 2 of 1,551,266 alleles (0.00013%); highest among the groups gnomAD compares: Non-Finnish European, 0.000087%; no homozygotes.

Submission:

Labcorp Genetics (formerly Invitae), Labcorp
Classification: Uncertain significance. Last evaluated: 2024-02-05. Review status: criteria provided, single submitter. Criteria: Invitae Variant Classification Sherloc (09022015). Collection method: clinical testing. Allele origin: germline.
Comment: This sequence change replaces glutamic acid, which is acidic and polar, with glutamine, which is neutral and polar, at codon 1836 of the EYS protein (p.Glu1836Gln). This variant is present in population databases (no rsID available, gnomAD 0.002%). This variant has not been reported in the literature in individuals affected with EYS-related conditions. ClinVar contains an entry for this variant (Variation ID: 1970236). Algorithms developed to predict the effect of missense changes on protein structure and function output the following: SIFT: "Not Available"; PolyPhen-2: "Benign"; Align-GVGD: "Not Available". The glutamine amino acid residue is found in multiple mammalian species, which suggests that this missense change does not adversely affect protein function. In summary, the available evidence is currently insufficient to determine the role of this variant in disease. Therefore, it has been classified as a Variant of Uncertain Significance.

NM_001142800.2(EYS):c.5506G>C (p.Glu1836Gln)

Gene: EYS (EGF-like photoreceptor maintenance factor; minus strand). Cytogenetic location: 6q12.
Variant type: single nucleotide variant.
Coding change: c.5506G>C on transcript NM_001142800.2 (MANE Select); coding-DNA position 5506, G replaced by C.
Protein change: p.Glu1836Gln; replaces glutamic acid 1836 with glutamine.
Molecular consequence: missense variant.
Genome position (GRCh38, 1-based): chr6:64,590,361, C>G on the plus strand (G>C on the coding strand, the complement: EYS is on the minus strand). VCF-style: chr6-64590361-C-G. GRCh37 (hg19) VCF-style: chr6-65300254-C-G.
Other names: c.5506G>C, p.Glu1836Gln (NM_001292009.2); short protein forms E1836Q.
Identifiers: ClinVar variation 1970236 (VCV001970236.4), dbSNP rs1478427973, ClinGen allele CA364780963.
Genomic context (GRCh38, chr6:64,590,361, plus strand): 5'-GGCTTGCAGTGGGAAATTCCTGATATTGCACACTAGGCTGAAGTTCCCATTTGGACCATT[C>G]TGAAGAAGTCTTGACCTCTTTTTTAAGAGAGGTCATATAATCTGTAAAATATGGCCAATC-3'
Protein context (NP_001136272.1, residues 1826-1846): SLKKEVKTSS[Glu1836Gln]WSKWELQPSV